The following is an entry in ClinVar:

NM_022124.6(CDH23):c.2319C>G (p.Asp773Glu)

Gene: CDH23 (cadherin related 23; plus strand). Cytogenetic location: 10q22.1.
Variant type: single nucleotide variant.
Coding change: c.2319C>G on transcript NM_022124.6 (MANE Select); coding-DNA position 2319, C replaced by G.
Protein change: p.Asp773Glu; replaces aspartic acid 773 with glutamic acid.
Molecular consequence: missense variant.
Genome position (GRCh38, 1-based): chr10:71,695,447, C>G. VCF-style: chr10-71695447-C-G. GRCh37 (hg19) VCF-style: chr10-73455204-C-G.
Other names: c.2319C>G, p.Asp773Glu (NM_001171930.2, NM_001171931.2); c.2319C>G (NM_022124.5); short protein forms D773E.
Identifiers: ClinVar variation 1040642 (VCV001040642.9), dbSNP rs1865347991, ClinGen allele CA377136291.
Genomic context (GRCh38, chr10:71,695,447, plus strand): 5'-GTGTCTCCCAGCGCCCCTTATGGCTTCACAGGTAAACATCACCCTCCTGGACATCAATGA[C>G]AACCACCCCACGTGGAAGGACGCACCCTACTACATCAACCTGGTGGAGATGACCCCTCCA-3'
Protein context (NP_071407.4, residues 763-783): TVNITLLDIN[Asp773Glu]NHPTWKDAPY

ClinVar aggregate classification (germline): Uncertain significance. Review status: criteria provided, single submitter (1 of 4 stars). 2 submissions from 2 submitters: Uncertain significance (1). 1 of the submissions does not count toward it. Last evaluated 2022-06-13.

Conditions:
Usher syndrome type 1 (USH1). Also called: RETINITIS PIGMENTOSA AND CONGENITAL DEAFNESS. Identifiers: Orphanet 231169, Orphanet 886, MedGen C1568247, MONDO:0010168, OMIM 276900.

Submissions (2):

Labcorp Genetics (formerly Invitae), Labcorp
Classification: Uncertain significance. Last evaluated: 2022-06-13. Review status: criteria provided, single submitter. Criteria: Invitae Variant Classification Sherloc (09022015). Collection method: clinical testing. Allele origin: germline.
Comment: In summary, the available evidence is currently insufficient to determine the role of this variant in disease. Therefore, it has been classified as a Variant of Uncertain Significance. Algorithms developed to predict the effect of missense changes on protein structure and function are either unavailable or do not agree on the potential impact of this missense change (SIFT: "Deleterious"; PolyPhen-2: "Not Available"; Align-GVGD: "Class C35"). ClinVar contains an entry for this variant (Variation ID: 1040642). This variant has not been reported in the literature in individuals affected with CDH23-related conditions. This variant is not present in population databases (gnomAD no frequency). This sequence change replaces aspartic acid, which is acidic and polar, with glutamic acid, which is acidic and polar, at codon 773 of the CDH23 protein (p.Asp773Glu).

Natera, Inc.
Classification: Uncertain significance for Usher syndrome type 1. Last evaluated: 2025-01-13. Review status: no assertion criteria provided. Collection method: clinical testing. Allele origin: germline. Not counted in ClinVar's aggregate classification.